The following is an entry in ClinVar:

ClinVar aggregate classification (germline): Uncertain significance (1 of 4 stars; one submission).

Submission:

Labcorp Genetics (formerly Invitae), Labcorp
Classification: Uncertain significance. Last evaluated: 2021-05-06. Review status: criteria provided, single submitter. Criteria: Invitae Variant Classification Sherloc (09022015). Collection method: clinical testing. Allele origin: germline.
Comment: Algorithms developed to predict the effect of missense changes on protein structure and function (SIFT, PolyPhen-2, Align-GVGD) all suggest that this variant is likely to be tolerated, but these predictions have not been confirmed by published functional studies and their clinical significance is uncertain. In summary, the available evidence is currently insufficient to determine the role of this variant in disease. Therefore, it has been classified as a Variant of Uncertain Significance. This variant has not been reported in the literature in individuals with PLEKHM2-related conditions. This sequence change replaces threonine with alanine at codon 675 of the PLEKHM2 protein (p.Thr675Ala). The threonine residue is highly conserved and there is a small physicochemical difference between threonine and alanine. This variant is not present in population databases (ExAC no frequency).

NM_015164.4(PLEKHM2):c.2023A>G (p.Thr675Ala)

Gene: PLEKHM2 (pleckstrin homology and RUN domain containing M2; plus strand). Cytogenetic location: 1p36.21.
Variant type: single nucleotide variant.
Coding change: c.2023A>G on transcript NM_015164.4 (MANE Select); coding-DNA position 2023, A replaced by G.
Protein change: p.Thr675Ala; replaces threonine 675 with alanine.
Molecular consequence: missense variant.
Genome position (GRCh38, 1-based): chr1:15,729,138, A>G. VCF-style: chr1-15729138-A-G. GRCh37 (hg19) VCF-style: chr1-16055633-A-G.
Other names: short protein forms T675A.
Identifiers: ClinVar variation 1393585 (VCV001393585.8), dbSNP rs2148375396, ClinGen allele CA338569541.